The following is an entry in ClinVar:

ClinVar aggregate classification (germline): Uncertain significance (1 of 4 stars; one submission).

Conditions:
Zellweger spectrum disorders (ZS). Also called: Zellweger Spectrum Disorder; Zellweger Spectrum; Zellweger syndrome; Zellweger Spectrum Disorder (ZSD). Identifiers: Orphanet 912, MedGen C0043459, MONDO:0019609.

Allele frequency attached by ClinVar (database versions not stated): gnomAD 0.00001; TOPMed 0.00001; ExAC 0.00003.
gnomAD v4.1: 21 of 1,613,744 alleles (0.0013%); highest among the groups gnomAD compares: Middle Eastern, 0.016%; no homozygotes.

Submission:

Labcorp Genetics (formerly Invitae), Labcorp
Classification: Uncertain significance for Zellweger spectrum disorders. Last evaluated: 2022-03-10. Review status: criteria provided, single submitter. Criteria: Invitae Variant Classification Sherloc (09022015). Collection method: clinical testing. Allele origin: germline.
Comment: This sequence change replaces arginine, which is basic and polar, with glutamine, which is neutral and polar, at codon 827 of the PEX1 protein (p.Arg827Gln). This variant is present in population databases (rs752937649, gnomAD 0.01%). This variant has not been reported in the literature in individuals affected with PEX1-related conditions. Algorithms developed to predict the effect of missense changes on protein structure and function (SIFT, PolyPhen-2, Align-GVGD) all suggest that this variant is likely to be tolerated. In summary, the available evidence is currently insufficient to determine the role of this variant in disease. Therefore, it has been classified as a Variant of Uncertain Significance.

NM_000466.3(PEX1):c.2480G>A (p.Arg827Gln)

Gene: PEX1 (peroxisomal biogenesis factor 1; minus strand). Cytogenetic location: 7q21.2.
Variant type: single nucleotide variant.
Coding change: c.2480G>A on transcript NM_000466.3 (MANE Select); coding-DNA position 2480, G replaced by A.
Protein change: p.Arg827Gln; replaces arginine 827 with glutamine.
Molecular consequence: missense variant.
Genome position (GRCh38, 1-based): chr7:92,501,610, C>T on the plus strand (G>A on the coding strand, the complement: PEX1 is on the minus strand). VCF-style: chr7-92501610-C-T. GRCh37 (hg19) VCF-style: chr7-92130924-C-T.
Other names: c.2309G>A, p.Arg770Gln (NM_001282677.2); c.1856G>A, p.Arg619Gln (NM_001282678.2); short protein forms R770Q, R827Q, R619Q.
Identifiers: ClinVar variation 2187028 (VCV002187028.1), dbSNP rs752937649, ClinGen allele CA4341112.
Genomic context (GRCh38, chr7:92,501,610, plus strand): 5'-TCATGTAACCCACCAATCTTGTCCCAACCCAGGTCTCTAGGTTTATGCAGGTTGACACTT[C>T]GCAAAGACGCAGGAAGAAATCCGCGGAGAGCCTTTTGGAAGTCCAATGTTGTTAAAACTA-3'
Protein context (NP_000457.1, residues 817-837): ALRGFLPASL[Arg827Gln]SVNLHKPRDL